The following is an entry in ClinVar:

ClinVar aggregate classification (germline): Uncertain significance (1 of 4 stars; one submission).

Submission:

GeneDx
Classification: Uncertain significance. Last evaluated: 2025-01-06. Review status: criteria provided, single submitter. Criteria: GeneDx Variant Classification Process June 2021. Collection method: clinical testing. Allele origin: germline. Affected: yes.
Comment: Not observed at significant frequency in large population cohorts (gnomAD); In silico analysis supports that this missense variant has a deleterious effect on protein structure/function; Has not been previously published as pathogenic or benign to our knowledge

NM_001458.5(FLNC):c.3277G>T (p.Gly1093Cys)

Gene: FLNC (filamin C; plus strand). Cytogenetic location: 7q32.1.
Variant type: single nucleotide variant.
Coding change: c.3277G>T on transcript NM_001458.5 (MANE Select); coding-DNA position 3277, G replaced by T.
Protein change: p.Gly1093Cys; replaces glycine 1093 with cysteine.
Molecular consequence: missense variant.
Genome position (GRCh38, 1-based): chr7:128,844,742, G>T. VCF-style: chr7-128844742-G-T. GRCh37 (hg19) VCF-style: chr7-128484796-G-T.
Other names: c.3277G>T, p.Gly1093Cys (NM_001127487.2); short protein forms G1093C.
Identifiers: ClinVar variation 4056009 (VCV004056009.1).
Genomic context (GRCh38, chr7:128,844,742, plus strand): 5'-AAGGGTGGACTGGTAGGCACCCCCGCGCCATTCTCCATCGACACCAAGGGGGCTGGCACA[G>T]GTGGCCTGGGGCTGACCGTAGAGGGCCCCTGCGAGGCCAAGATCGAGTGCCAGGACAATG-3'
Protein context (NP_001449.3, residues 1083-1103): FSIDTKGAGT[Gly1093Cys]GLGLTVEGPC